The following is an entry in ClinVar:

NM_152419.3(HGSNAT):c.469G>T (p.Glu157Ter)

Gene: HGSNAT (heparan-alpha-glucosaminide N-acetyltransferase; plus strand). Cytogenetic location: 8p11.21.
Variant type: single nucleotide variant.
Coding change: c.469G>T on transcript NM_152419.3 (MANE Select); coding-DNA position 469, G replaced by T.
Protein change: p.Glu157Ter; replaces glutamic acid 157 with a stop codon.
Molecular consequence: nonsense. On other transcripts: 5 prime UTR variant (1).
Genome position (GRCh38, 1-based): chr8:43,159,020, G>T. VCF-style: chr8-43159020-G-T. GRCh37 (hg19) VCF-style: chr8-43014163-G-T.
Other names: c.469G>T, p.Glu157Ter (NM_001363227.2, NM_001363228.2); c.-365G>T (NM_001363229.2); short protein forms E157*.
Identifiers: ClinVar variation 983605 (VCV000983605.3), dbSNP rs553837106, ClinGen allele CA371115661.

ClinVar aggregate classification (germline): Likely pathogenic (1 of 4 stars; one submission).

Conditions:
Mucopolysaccharidosis, MPS-III-C (MPS3C). Also called: MPS IIIC (Sanfilippo Syndrome Type C); MUCOPOLYSACCHARIDOSIS, TYPE IIIC; Mucopolysaccharidosis type IIIC (Sanfilippo C); mucopolysaccharidosis type 3C; SANFILIPPO SYNDROME C; MPS III C. Identifiers: Orphanet 581, Orphanet 79271, MedGen C0086649, MONDO:0009657, OMIM 252930.

Submission:

Myriad Genetics, Inc.
Classification: Likely pathogenic for Mucopolysaccharidosis, MPS-III-C. Last evaluated: 2019-03-31. Review status: criteria provided, single submitter. Criteria: Myriad Women's Health Autosomal Recessive and X-Linked Classification Criteria (2019). Collection method: clinical testing. Allele origin: unknown.
Comment: NM_152419.2(HGSNAT):c.469G>T(E157*) is expected to be pathogenic in the context of mucopolysaccharidosis type IIIC. This variant is predicted to lead to an abnormal or absent protein product due to the creation of a premature termination codon in HGSNAT, a gene where loss-of-function variants are known to be pathogenic. Please note: this variant was assessed in the context of healthy population screening.